The following is an entry in ClinVar:

NM_004974.4(KCNA2):c.1417A>G (p.Arg473Gly)

Gene: KCNA2 (potassium voltage-gated channel subfamily A member 2; minus strand). Cytogenetic location: 1p13.3.
Variant type: single nucleotide variant.
Coding change: c.1417A>G on transcript NM_004974.4 (MANE Select); coding-DNA position 1417, A replaced by G.
Protein change: p.Arg473Gly; replaces arginine 473 with glycine.
Molecular consequence: missense variant. On other transcripts: intron variant (1).
Genome position (GRCh38, 1-based): chr1:110,603,366, T>C on the plus strand (A>G on the coding strand, the complement: KCNA2 is on the minus strand). VCF-style: chr1-110603366-T-C. GRCh37 (hg19) VCF-style: chr1-111145988-T-C.
Other names: c.894+523A>G (NM_001204269.2); short protein forms R473G.
Identifiers: ClinVar variation 2812593 (VCV002812593.3), dbSNP rs2524614817, ClinGen allele CA341600408.
Genomic context (GRCh38, chr1:110,603,366, plus strand): 5'-TAATATTCACATAGTTTGTGTTAGCCAAGGTACAGTTGGCTGTTTTCAAGTTTTCCTCTC[T>C]AAAGTCCTCATTACTGTTATTTACACCCTCCTGGATCTCCATGTAATCAGACTTACTAAT-3'
Protein context (NP_004965.1, residues 463-483): EGVNNSNEDF[Arg473Gly]EENLKTANCT

ClinVar aggregate classification (germline): Uncertain significance (1 of 4 stars; one submission).

Conditions:
Developmental and epileptic encephalopathy, 32 (DEE32). Also called: Epileptic encephalopathy, early infantile, 32. Identifiers: Orphanet 442835, MedGen C4225350, MONDO:0014607, OMIM 616366.

Submission:

Labcorp Genetics (formerly Invitae), Labcorp
Classification: Uncertain significance for Developmental and epileptic encephalopathy, 32. Last evaluated: 2022-11-09. Review status: criteria provided, single submitter. Criteria: Invitae Variant Classification Sherloc (09022015). Collection method: clinical testing. Allele origin: germline.
Comment: In summary, the available evidence is currently insufficient to determine the role of this variant in disease. Therefore, it has been classified as a Variant of Uncertain Significance. Advanced modeling of protein sequence and biophysical properties (such as structural, functional, and spatial information, amino acid conservation, physicochemical variation, residue mobility, and thermodynamic stability) performed at Invitae indicates that this missense variant is not expected to disrupt KCNA2 protein function. This variant has not been reported in the literature in individuals affected with KCNA2-related conditions. This variant is not present in population databases (gnomAD no frequency). This sequence change replaces arginine, which is basic and polar, with glycine, which is neutral and non-polar, at codon 473 of the KCNA2 protein (p.Arg473Gly).